The following is an entry in ClinVar:

NC_000001.10:g.(?_235613501)_(235667572_?)dup

Gene: B3GALNT2 (beta-1,3-N-acetylgalactosaminyltransferase 2; minus strand). Cytogenetic location: 1q42.3.
Variant type: Duplication.
Identifiers: ClinVar variation 583970 (VCV000583970.1).

ClinVar aggregate classification (germline): Uncertain significance (1 of 4 stars; one submission).

Conditions:
Muscular dystrophy-dystroglycanopathy (congenital with brain and eye anomalies), type a, 11 (MDDGA11). Also called: Congenital muscular dystrophy-dystroglycanopathy with brain and eye anomalies, type A11; WALKER-WARBURG SYNDROME OR MUSCLE-EYE-BRAIN DISEASE, B3GALNT2-RELATED; Muscular dystrophy-dystroglycanopathy (congenital with brain and eye anomalies, type A, 11. Identifiers: Orphanet 588, Orphanet 899, MedGen C3554638, MONDO:0014071, OMIM 615181.

Submission:

Labcorp Genetics (formerly Invitae), Labcorp
Classification: Uncertain significance for Muscular dystrophy-dystroglycanopathy (congenital with brain and eye anomalies), type a, 11. Last evaluated: 2018-05-24. Review status: criteria provided, single submitter. Criteria: Invitae Variant Classification Sherloc (09022015). Collection method: clinical testing. Allele origin: germline.
Comment: This variant results in a copy number gain of the genomic region encompassing the full coding sequence of the B3GALNT2 gene. The boundaries of this event are unknown as they extend beyond the assayed region for this gene and therefore may encompass additional genes. As the precise location of this event is unknown, it may be in tandem or it may be located elsewhere in the genome. This variant has not been reported in the literature in individuals with B3GALNT2-related disease. Experimental studies are not available for this variant, and the functional significance of the additional copy of the gene is currently unknown. In summary, the available evidence is currently insufficient to determine the role of this variant in disease. Therefore, it has been classified as a Variant of Uncertain Significance.